The following is an entry in ClinVar:

NM_001080517.3(SETD5):c.2945_2950del (p.Asn982_Leu983del)

Gene: SETD5 (SET domain containing 5; plus strand). Cytogenetic location: 3p25.3.
Variant type: Deletion.
Coding change: c.2945_2950del on transcript NM_001080517.3 (MANE Select); coding-DNA positions 2945 to 2950, 6 bases deleted (ACTTGA; older notation c.2945_2950delACTTGA).
Protein change: p.Asn982_Leu983del.
Genome position (GRCh38, 1-based): chr3:9,470,679-9,470,684, ACTTGA deleted; deleting any 6 consecutive bases within chr3:9,470,678-9,470,684 gives the same sequence; the c. name uses the placement nearest the transcript's 3' end. VCF-style (leftmost placement, unchanged base first): chr3-9470677-CAACTTG-C. GRCh37 (hg19) VCF-style: chr3-9512361-CAACTTG-C.
Other names: c.2651_2656del, p.Asn884_Leu885del (NM_001292043.2, NM_001349451.2).
Identifiers: ClinVar variation 3371367 (VCV003371367.1).

ClinVar aggregate classification (germline): Uncertain significance (1 of 4 stars; one submission).

Submission:

GeneDx
Classification: Uncertain significance. Last evaluated: 2024-04-01. Review status: criteria provided, single submitter. Criteria: GeneDx Variant Classification Process June 2021. Collection method: clinical testing. Allele origin: germline. Affected: yes.
Comment: In-frame deletion of 2 amino acids in a non-repeat region; Not observed at significant frequency in large population cohorts (gnomAD); In silico analysis supports that this variant does not alter protein structure/function; Has not been previously published as pathogenic or benign to our knowledge